The following is an entry in ClinVar:

NM_001278431.2(C1QTNF5):c.172G>A (p.Ala58Thr)

Genes: C1QTNF5 (C1q and TNF related 5; minus strand), MFRP (membrane frizzled-related protein; minus strand). Cytogenetic location: 11q23.3.
Variant type: single nucleotide variant.
Coding change: c.172G>A on transcript NM_001278431.2 (MANE Select); coding-DNA position 172, G replaced by A.
Protein change: p.Ala58Thr; replaces alanine 58 with threonine.
Molecular consequence: missense variant. On other transcripts: 3 prime UTR variant (1).
Genome position (GRCh38, 1-based): chr11:119,340,226, C>T on the plus strand (G>A on the coding strand, the complement: C1QTNF5 is on the minus strand). VCF-style: chr11-119340226-C-T. GRCh37 (hg19) VCF-style: chr11-119210936-C-T.
Other names: c.172G>A, p.Ala58Thr (NM_015645.5); c.*1068G>A (NM_031433.4); short protein forms A58T.
Identifiers: ClinVar variation 1382185 (VCV001382185.6), dbSNP rs2135365364, ClinGen allele CA382970383.

ClinVar aggregate classification (germline): Uncertain significance (1 of 4 stars; one submission).

Allele frequency attached by ClinVar (database versions not stated): gnomAD exomes below 0.00001.
gnomAD v4.1: 2 of 1,513,612 alleles (0.00013%); highest among the groups gnomAD compares: African/African-American, 0.0015%; no homozygotes.

Submission:

Labcorp Genetics (formerly Invitae), Labcorp
Classification: Uncertain significance. Last evaluated: 2021-10-27. Review status: criteria provided, single submitter. Criteria: Invitae Variant Classification Sherloc (09022015). Collection method: clinical testing. Allele origin: germline.
Comment: In summary, the available evidence is currently insufficient to determine the role of this variant in disease. Therefore, it has been classified as a Variant of Uncertain Significance. Algorithms developed to predict the effect of missense changes on protein structure and function (SIFT, PolyPhen-2, Align-GVGD) all suggest that this variant is likely to be tolerated. This variant has not been reported in the literature in individuals affected with C1QTNF5-related conditions. This variant is not present in population databases (gnomAD no frequency). This sequence change replaces alanine, a(n) neutral and non-polar amino acid, with threonine, a(n) neutral and polar amino acid, at codon 58 of the C1QTNF5 protein (p.Ala58Thr).